The following is an entry in ClinVar:

NM_002439.5(MSH3):c.2409C>T (p.Cys803=)

Gene: MSH3 (mutS homolog 3; plus strand). Cytogenetic location: 5q14.1.
Variant type: single nucleotide variant.
Coding change: c.2409C>T on transcript NM_002439.5 (MANE Select); coding-DNA position 2409, C replaced by T.
Protein change: p.Cys803=; no amino-acid change (cysteine 803 retained).
Molecular consequence: synonymous variant.
Genome position (GRCh38, 1-based): chr5:80,778,810, C>T. VCF-style: chr5-80778810-C-T. GRCh37 (hg19) VCF-style: chr5-80074629-C-T.
Other names: c.2409C>T (NM_002439.3).
Identifiers: ClinVar variation 1594178 (VCV001594178.10), dbSNP rs758926262, ClinGen allele CA3328243.

ClinVar aggregate classification (germline): Conflicting classifications of pathogenicity. Review status: criteria provided, conflicting classifications (1 of 4 stars). 2 submissions from 2 submitters: Uncertain significance (1); Likely benign (1). Last evaluated 2025-05-25.

Conditions:
Hereditary cancer-predisposing syndrome. Also called: Hereditary neoplastic syndrome; Hereditary Cancer Syndrome; Neoplastic Syndromes, Hereditary; Tumor predisposition. Identifiers: Orphanet 140162, MedGen C0027672, MeSH D009386, MONDO:0015356.

Allele frequency attached by ClinVar (database versions not stated): ExAC 0.00001; TOPMed 0.00001.
gnomAD v4.1: 3 of 1,597,644 alleles (0.00019%); highest among the groups gnomAD compares: African/African-American, 0.0013%; no homozygotes.

Submissions (2):

Labcorp Genetics (formerly Invitae), Labcorp
Classification: Likely benign. Last evaluated: 2025-05-25. Review status: criteria provided, single submitter. Criteria: Invitae Variant Classification Sherloc (09022015). Collection method: clinical testing. Allele origin: germline.

Ambry Genetics
Classification: Uncertain significance for Hereditary cancer-predisposing syndrome. Last evaluated: 2023-09-06. Review status: criteria provided, single submitter. Criteria: Ambry Variant Classification Scheme 2023. Collection method: clinical testing. Allele origin: germline.
Comment: The c.2409C>T variant (also known as p.C803C), located in coding exon 17 of the MSH3 gene, results from a C to T substitution at nucleotide position 2409. This nucleotide substitution does not change the cysteine at codon 803. This nucleotide position is highly conserved in available vertebrate species. In silico splice site analysis for this alteration is inconclusive. Since supporting evidence is limited at this time, the clinical significance of this alteration remains unclear.